The following is an entry in ClinVar:

ClinVar aggregate classification (germline): Likely benign (1 of 4 stars; one submission).

Conditions:
COL18A1-related disorder. Also called: COL18A1-related disorders; COL18A1-related condition.

Allele frequency attached by ClinVar (database versions not stated): gnomAD exomes below 0.00001.
gnomAD v4.1: 1 of 1,600,648 alleles (0.000062%); highest among the groups gnomAD compares: South Asian, 0.0011%; no homozygotes.

Submission:

PreventionGenetics, part of Exact Sciences
Classification: Likely benign for COL18A1-related condition. Last evaluated: 2026-06-23. Review status: criteria provided, single submitter. Criteria: ACMG Guidelines, 2015. Collection method: clinical testing. Allele origin: germline.
Comment: This variant is classified as likely benign based on ACMG/AMP sequence variant interpretation guidelines (Richards et al. 2015 PMID: 25741868, with internal and published modifications).

NM_001379500.1(COL18A1):c.3765C>T (p.Arg1255=)

Genes: COL18A1 (collagen type XVIII alpha 1 chain; plus strand), SLC19A1 (solute carrier family 19 member 1; minus strand). Cytogenetic location: 21q22.3.
Variant type: single nucleotide variant.
Coding change: c.3765C>T on transcript NM_001379500.1 (MANE Select); coding-DNA position 3765, C replaced by T.
Protein change: p.Arg1255=; no amino-acid change (arginine 1255 retained).
Molecular consequence: synonymous variant.
Genome position (GRCh38, 1-based): chr21:45,511,182, C>T. VCF-style: chr21-45511182-C-T. GRCh37 (hg19) VCF-style: chr21-46931096-C-T.
Other names: c.4296C>T, p.Arg1432= (NM_030582.4); c.5001C>T, p.Arg1667= (NM_130444.3); c.4296C>T (NM_030582.3).
Identifiers: ClinVar variation 4981372 (VCV004981372.1), dbSNP rs886057135.